The following is an entry in ClinVar:

NM_000038.6(APC):c.4022G>A (p.Ser1341Asn)

Gene: APC (APC regulator of Wnt signaling pathway; plus strand). Cytogenetic location: 5q22.2.
Variant type: single nucleotide variant.
Coding change: c.4022G>A on transcript NM_000038.6 (MANE Select); coding-DNA position 4022, G replaced by A.
Protein change: p.Ser1341Asn; replaces serine 1341 with asparagine.
Molecular consequence: missense variant.
Genome position (GRCh38, 1-based): chr5:112,839,616, G>A. VCF-style: chr5-112839616-G-A. GRCh37 (hg19) VCF-style: chr5-112175313-G-A.
Other names: c.2870G>A, p.Ser957Asn (NM_001407472.1, NM_001407471.1); c.4022G>A, p.Ser1341Asn (NM_001127510.3, NM_001354895.2, NM_001407450.1); c.3968G>A, p.Ser1323Asn (NM_001127511.3); c.4076G>A, p.Ser1359Asn (NM_001354896.2, NM_001407447.1, NM_001407448.1 and 1 more transcripts); c.4052G>A, p.Ser1351Asn (NM_001354897.2); c.3947G>A, p.Ser1316Asn (NM_001354898.2); c.3938G>A, p.Ser1313Asn (NM_001354899.2); c.3899G>A, p.Ser1300Asn (NM_001354900.2); and 11 more; short protein forms S1058N, S1181N, S1212N, S1215N, S1240N, S1250N, S1258N, S1282N.
Identifiers: ClinVar variation 1717665 (VCV001717665.7), dbSNP rs1218402215, ClinGen allele CA16030146.
Genomic context (GRCh38, chr5:112,839,616, plus strand): 5'-GCGAAGTTCCAGCAGTGTCACAGCACCCTAGAACCAAATCCAGCAGACTGCAGGGTTCTA[G>A]TTTATCTTCAGAATCAGCCAGGCACAAAGCTGTTGAATTTTCTTCAGGAGCGAAATCTCC-3'
Protein context (NP_000029.2, residues 1331-1351): RTKSSRLQGS[Ser1341Asn]LSSESARHKA

ClinVar aggregate classification (germline): Uncertain significance. Review status: criteria provided, multiple submitters, no conflicts (2 of 4 stars). 2 submissions from 2 submitters: Uncertain significance (2). Last evaluated 2023-05-10.

Conditions:
Familial adenomatous polyposis 1 (FAP1). Also called: FAMILIAL ADENOMATOUS POLYPOSIS 1, ATTENUATED; POLYPOSIS, ADENOMATOUS INTESTINAL. Identifiers: MedGen C2713442, MONDO:0021056, OMIM 175100. Disease mechanism: loss of function.

Submissions (2):

Baylor Genetics
Classification: Uncertain significance for Familial adenomatous polyposis 1. Last evaluated: 2023-05-10. Review status: criteria provided, single submitter. Criteria: ACMG Guidelines, 2015. Collection method: clinical testing. Allele origin: unknown.

Labcorp Genetics (formerly Invitae), Labcorp
Classification: Uncertain significance for Familial adenomatous polyposis 1. Last evaluated: 2022-08-22. Review status: criteria provided, single submitter. Criteria: Invitae Variant Classification Sherloc (09022015). Collection method: clinical testing. Allele origin: germline.
Comment: In summary, the available evidence is currently insufficient to determine the role of this variant in disease. Therefore, it has been classified as a Variant of Uncertain Significance. Algorithms developed to predict the effect of missense changes on protein structure and function output the following: SIFT: "Tolerated"; PolyPhen-2: "Benign"; Align-GVGD: "Class C0". The asparagine amino acid residue is found in multiple mammalian species, which suggests that this missense change does not adversely affect protein function. This variant has not been reported in the literature in individuals affected with APC-related conditions. This variant is present in population databases (no rsID available, gnomAD 0.01%). This sequence change replaces serine, which is neutral and polar, with asparagine, which is neutral and polar, at codon 1341 of the APC protein (p.Ser1341Asn).